The following is an entry in ClinVar:

NM_001035.3(RYR2):c.12660A>C (p.Glu4220Asp)

Genes: RYR2 (ryanodine receptor 2; plus strand), LOC126806068 (BRD4-independent group 4 enhancer GRCh37_chr1:237947411-237948610; plus strand). Cytogenetic location: 1q43.
Variant type: single nucleotide variant.
Coding change: c.12660A>C on transcript NM_001035.3 (MANE Select); coding-DNA position 12660, A replaced by C.
Protein change: p.Glu4220Asp; replaces glutamic acid 4220 with aspartic acid.
Molecular consequence: missense variant.
Genome position (GRCh38, 1-based): chr1:237,784,372, A>C. VCF-style: chr1-237784372-A-C. GRCh37 (hg19) VCF-style: chr1-237947672-A-C.
Other names: c.12660A>C (NM_001035.2); short protein forms E4220D.
Identifiers: ClinVar variation 919135 (VCV000919135.16), dbSNP rs1323430299, ClinGen allele CA345413856.

ClinVar aggregate classification (germline): Conflicting classifications of pathogenicity. Review status: criteria provided, conflicting classifications (1 of 4 stars). 6 submissions from 6 submitters: Uncertain significance (5); Likely benign (1). Last evaluated 2026-04-27.

Conditions:
Cardiomyopathy (CMYO). Also called: Cardiomyopathies. Identifiers: Orphanet 167848, MedGen C0878544, MONDO:0004994, HP:0001638. Inheritance: Various modes of inheritance.
Cardiovascular phenotype. Identifiers: MedGen CN230736.
Catecholaminergic polymorphic ventricular tachycardia 1. Also called: VENTRICULAR TACHYCARDIA, STRESS-INDUCED POLYMORPHIC 1; RYR2-Related Catecholaminergic Polymorphic Ventricular Tachycardia; VENTRICULAR TACHYCARDIA, CATECHOLAMINERGIC POLYMORPHIC, 1, WITH OR WITHOUT ATRIAL DYSFUNCTION AND/OR DILATED CARDIOMYOPATHY. Identifiers: Orphanet 3286, MedGen C1631597, MONDO:0011484, OMIM 604772.
Catecholaminergic polymorphic ventricular tachycardia (CVPT). Also called: Catecholamine-induced polymorphic ventricular tachycardia. Identifiers: Orphanet 3286, MedGen C5574922, MONDO:0017990.

Allele frequency attached by ClinVar (database versions not stated): TOPMed below 0.00001; gnomAD 0.00001; gnomAD exomes 0.00001.
gnomAD v4.1: 7 of 1,613,850 alleles (0.00043%); highest among the groups gnomAD compares: Admixed American, 0.0017%; no homozygotes.

Submissions (6):

Women's Health and Genetics/Laboratory Corporation of America, LabCorp
Classification: Uncertain significance. Last evaluated: 2026-04-27. Review status: criteria provided, single submitter. Criteria: LabCorp Variant Classification Summary - May 2015. Collection method: clinical testing. Allele origin: germline.

Labcorp Genetics (formerly Invitae), Labcorp
Classification: Likely benign for Catecholaminergic polymorphic ventricular tachycardia 1. Last evaluated: 2025-11-12. Review status: criteria provided, single submitter. Criteria: Invitae Variant Classification Sherloc (09022015). Collection method: clinical testing. Allele origin: germline.

Color Diagnostics, LLC DBA Color Health
Classification: Uncertain significance for Cardiomyopathy. Last evaluated: 2024-03-06. Review status: criteria provided, single submitter. Criteria: ACMG Guidelines, 2015. Collection method: clinical testing. Allele origin: germline.
Comment: This missense variant replaces glutamic acid with aspartic acid at codon 4220 of the RYR2 protein. Computational prediction suggests that this variant may not impact protein structure and function (internally defined REVEL score threshold <= 0.5, PMID: 27666373). To our knowledge, functional studies have not been reported for this variant. This variant has not been reported in individuals affected with cardiovascular disorders in the literature. This variant has been identified in 2/248626 chromosomes in the general population by the Genome Aggregation Database (gnomAD). The available evidence is insufficient to determine the role of this variant in disease conclusively. Therefore, this variant is classified as a Variant of Uncertain Significance.

All of Us Research Program, National Institutes of Health
Classification: Uncertain significance for Catecholaminergic polymorphic ventricular tachycardia. Last evaluated: 2023-12-13. Review status: criteria provided, single submitter. Criteria: ACMG Guidelines, 2015. Collection method: clinical testing. Allele origin: germline. Inheritance: Autosomal dominant inheritance. Observed: 5 variant alleles, 5 heterozygotes.
Comment: This missense variant replaces glutamic acid with aspartic acid at codon 4220 of the RYR2 protein. Computational prediction suggests that this variant may not impact protein structure and function (internally defined REVEL score threshold <= 0.5, PMID: 27666373). To our knowledge, functional studies have not been reported for this variant. This variant has not been reported in individuals affected with cardiovascular disorders in the literature. This variant has been identified in 2/248626 chromosomes in the general population by the Genome Aggregation Database (gnomAD). The available evidence is insufficient to determine the role of this variant in disease conclusively. Therefore, this variant is classified as a Variant of Uncertain Significance.

This study involves interpretation of variants in research participants for the purpose of population health screening. Participant phenotype was not available at the time of variant classification. Additional details can be found in publication PMID: 35346344, PMCID: PMC8962531

Ambry Genetics
Classification: Uncertain significance for Cardiovascular phenotype. Last evaluated: 2023-12-13. Review status: criteria provided, single submitter. Criteria: Ambry Variant Classification Scheme 2023. Collection method: clinical testing. Allele origin: germline.
Comment: The p.E4220D variant (also known as c.12660A>C), located in coding exon 90 of the RYR2 gene, results from an A to C substitution at nucleotide position 12660. The glutamic acid at codon 4220 is replaced by aspartic acid, an amino acid with highly similar properties. This amino acid position is not well conserved in available vertebrate species, and aspartic acid is the reference amino acid in other vertebrate species. In addition, this alteration is predicted to be tolerated by in silico analysis. Since supporting evidence is limited at this time, the clinical significance of this alteration remains unclear.

GeneDx
Classification: Uncertain significance. Last evaluated: 2023-10-04. Review status: criteria provided, single submitter. Criteria: GeneDx Variant Classification Process June 2021. Collection method: clinical testing. Allele origin: germline. Affected: yes.
Comment: Has not been previously published as pathogenic or benign to our knowledge; Not observed at significant frequency in large population cohorts (gnomAD); Located in one of the three hot-spot regions of the RYR2 gene, where the majority of pathogenic missense variants occur (Medeiros-Domingo et al., 2009); In silico analysis supports that this missense variant does not alter protein structure/function; This variant is associated with the following publications: (PMID: 19926015)